The following is an entry in ClinVar:

ClinVar aggregate classification (germline): Uncertain significance (1 of 4 stars; one submission).

Conditions:
Congenital muscular dystrophy due to integrin alpha-7 deficiency. Also called: Congenital muscular dystrophy with integrin alpha-7 deficiency; Muscular dystrophy, congenital, due to ITGA7 deficiency; MYOPATHY, CONGENITAL, DUE TO INTEGRIN ALPHA-7 DEFICIENCY. Identifiers: Orphanet 34520, MedGen C2750786, MONDO:0013177, OMIM 613204.

Submission:

Labcorp Genetics (formerly Invitae), Labcorp
Classification: Uncertain significance for Congenital muscular dystrophy due to integrin alpha-7 deficiency. Last evaluated: 2022-06-13. Review status: criteria provided, single submitter. Criteria: Invitae Variant Classification Sherloc (09022015). Collection method: clinical testing. Allele origin: germline.
Comment: This variant, c.1336_1338dup, results in the insertion of 1 amino acid(s) of the ITGA7 protein (p.Ser446dup), but otherwise preserves the integrity of the reading frame. This variant is present in population databases (rs763061281, gnomAD 0.006%). This variant has not been reported in the literature in individuals affected with ITGA7-related conditions. ClinVar contains an entry for this variant (Variation ID: 470562). Experimental studies and prediction algorithms are not available or were not evaluated, and the functional significance of this variant is currently unknown. In summary, the available evidence is currently insufficient to determine the role of this variant in disease. Therefore, it has been classified as a Variant of Uncertain Significance.

NM_002206.3(ITGA7):c.1336_1338dup (p.Ser446_Leu447insSer)

Gene: ITGA7 (integrin subunit alpha 7; minus strand). Cytogenetic location: 12q13.2.
Variant type: Duplication.
Coding change: c.1336_1338dup on transcript NM_002206.3 (MANE Select); coding-DNA positions 1336 to 1338, 3 bases duplicated (AGC; older notation c.1336_1338dupAGC).
Protein change: p.Ser446_Leu447insSer.
Molecular consequence: inframe insertion. On other transcripts: inframe indel (9), 5 prime UTR variant (1).
Genome position (GRCh38, 1-based): chr12:55,697,766-55,697,768, GCT duplicated on the plus strand (AGC on the coding strand, the reverse complement: ITGA7 is on the minus strand); duplicating any 3 consecutive bases within chr12:55,697,766-55,697,770 gives the same sequence; the c. name uses the placement nearest the transcript's 3' end. VCF-style (leftmost placement, unchanged base first): chr12-55697765-A-AGCT. GRCh37 (hg19) VCF-style: chr12-56091549-A-AGCT.
Other names: c.1348_1350dup, p.Ser450_Leu451insSer (NM_001144996.2); c.1055_1057dup, p.Ser353_Leu354insSer (NM_001144997.2); c.1009_1011dup, p.Ser337_Leu338insSer (NM_001367993.1); c.-9_-7dup (NM_001367994.1); c.1336_1338dup, p.Ser446_Leu447insSer (NM_001374465.1); c.1466_1468dup, p.Ser490_Leu491insSer (NM_001410977.1); c.1346_1348dup, p.Ser450_Leu451insSer (NM_001414029.1); c.1259_1261dup, p.Ser421_Leu422insSer (NM_001414030.1); and 6 more.
Identifiers: ClinVar variation 470562 (VCV000470562.6), dbSNP rs763061281, ClinGen allele CA6615988.